The following is an entry in ClinVar:

ClinVar aggregate classification (germline): Uncertain significance (1 of 4 stars; one submission).

Allele frequency attached by ClinVar (database versions not stated): gnomAD exomes 0.00001; TOPMed below 0.00001; ExAC 0.00001; gnomAD 0.00001.
gnomAD v4.1: 12 of 1,613,334 alleles (0.00074%); highest among the groups gnomAD compares: Admixed American, 0.005%; no homozygotes.

Submission:

Labcorp Genetics (formerly Invitae), Labcorp
Classification: Uncertain significance. Last evaluated: 2022-07-26. Review status: criteria provided, single submitter. Criteria: Invitae Variant Classification Sherloc (09022015). Collection method: clinical testing. Allele origin: germline.
Comment: This sequence change falls in intron 7 of the TTC37 gene. It does not directly change the encoded amino acid sequence of the TTC37 protein. It affects a nucleotide within the consensus splice site. This variant is present in population databases (rs776287687, gnomAD 0.009%). This variant has not been reported in the literature in individuals affected with TTC37-related conditions. ClinVar contains an entry for this variant (Variation ID: 1391661). Variants that disrupt the consensus splice site are a relatively common cause of aberrant splicing (PMID: 17576681, 9536098). Algorithms developed to predict the effect of sequence changes on RNA splicing suggest that this variant is not likely to affect RNA splicing. In summary, the available evidence is currently insufficient to determine the role of this variant in disease. Therefore, it has been classified as a Variant of Uncertain Significance.

Literature cited by the submitters: PubMed 17576681; PubMed 9536098.

NM_014639.4(SKIC3):c.402+4G>A

Gene: SKIC3 (SKI3 subunit of superkiller complex; minus strand). Cytogenetic location: 5q15.
Variant type: single nucleotide variant.
Coding change: c.402+4G>A on transcript NM_014639.4 (MANE Select); 4 bases into the intron after coding-DNA position 402, G replaced by A.
Molecular consequence: intron variant.
Genome position (GRCh38, 1-based): chr5:95,541,301, C>T on the plus strand (G>A on the coding strand, the complement: SKIC3 is on the minus strand). VCF-style: chr5-95541301-C-T. GRCh37 (hg19) VCF-style: chr5-94877005-C-T.
Identifiers: ClinVar variation 1391661 (VCV001391661.3), dbSNP rs776287687, ClinGen allele CA3347626.